The following is an entry in ClinVar:

ClinVar aggregate classification (germline): Pathogenic (1 of 4 stars; one submission).

Submission:

Labcorp Genetics (formerly Invitae), Labcorp
Classification: Pathogenic. Last evaluated: 2022-07-06. Review status: criteria provided, single submitter. Criteria: Invitae Variant Classification Sherloc (09022015). Collection method: clinical testing. Allele origin: germline.
Comment: For these reasons, this variant has been classified as Pathogenic. ClinVar contains an entry for this variant (Variation ID: 225695). This variant is also known as c.6148-698_6670delinsTGTGCACCTCCCTAG. This variant has been observed in individual(s) with Stargardt disease (PMID: 26527198). In at least one individual the data is consistent with being in trans (on the opposite chromosome) from a pathogenic variant. It has also been observed to segregate with disease in related individuals. This variant results in the deletion of exons 45-47 and part of exon 48 (c.6148-698_6670delinsCTAGGGAGGTGCACA) of the ABCA4 gene. It is expected to disrupt RNA splicing. Variants that disrupt the donor or acceptor splice site typically lead to a loss of protein function (PMID: 16199547), and loss-of-function variants in ABCA4 are known to be pathogenic (PMID: 10958761, 24938718, 25312043, 26780318).

Literature cited by the submitters: PubMed 26527198; PubMed 16199547; PubMed 10958761; PubMed 24938718; PubMed 25312043; PubMed 26780318.

NC_000001.10:g.(?_94463476)_(94468246_?)del

Gene: ABCA4 (ATP binding cassette subfamily A member 4; minus strand). Cytogenetic location: 1p22.1.
Variant type: Deletion.
Identifiers: ClinVar variation 1458197 (VCV001458197.5).